The following is an entry in ClinVar:

NM_000079.4(CHRNA1):c.440_441insAGAATGG (p.Tyr147Ter)

Gene: CHRNA1 (cholinergic receptor nicotinic alpha 1 subunit; minus strand). Cytogenetic location: 2q31.1.
Variant type: Insertion.
Coding change: c.440_441insAGAATGG on transcript NM_000079.4 (MANE Select); coding-DNA positions 440 to 441, AGAATGG inserted.
Protein change: p.Tyr147Ter; replaces tyrosine 147 with a stop codon.
Molecular consequence: nonsense.
Genome position: GRCh38 VCF-style: chr2-174754318-G-GCCATTCT. GRCh37 (hg19) VCF-style: chr2-175619046-G-GCCATTCT.
Other names: c.515_516insAGAATGG, p.Tyr172Ter (NM_001039523.3); short protein forms Y147*, Y172*.
Identifiers: ClinVar variation 4814122 (VCV004814122.1).

ClinVar aggregate classification (germline): Likely pathogenic (1 of 4 stars; one submission).

Conditions:
Myasthenic syndrome, congenital, 1B, fast-channel. Also called: Fast-Channel Congenital Myasthenia Syndrome. Identifiers: Orphanet 590, MedGen C4225405, MONDO:0012156, OMIM 608930.

Submission:

OLLIN Analises Genomicas, OLLIN
Classification: Likely pathogenic for Myasthenic syndrome, congenital, 1B, fast-channel. Last evaluated: 2025-06-23. Review status: criteria provided, single submitter. Criteria: ACMG Guidelines 2015 PMID 25741868. Collection method: clinical testing. Allele origin: germline. Affected: yes. Observed: 1 variant allele.
Comment: The nonsense variant (chr2:174754318G>GCCATTCT), located in exon 5 (of 9), is not reported in ClinVar, gnomAD v4.1 non-UKB, or the scientific literature. This variant introduces a premature stop codon, resulting in a truncated protein or mRNA degradation via nonsense-mediated decay (NMD). Based on currently available evidence, this variant has been classified as likely pathogenic (PVS1, PM2_P).